The following is an entry in ClinVar:

NM_000051.4(ATM):c.3284+2T>C

Gene: ATM (ATM serine/threonine kinase; plus strand). Cytogenetic location: 11q22.3.
Variant type: single nucleotide variant.
Coding change: c.3284+2T>C on transcript NM_000051.4 (MANE Select); the canonical splice donor site of the intron after coding-DNA position 3284, T replaced by C.
Molecular consequence: splice donor variant.
Genome position (GRCh38, 1-based): chr11:108,272,854, T>C. VCF-style: chr11-108272854-T-C. GRCh37 (hg19) VCF-style: chr11-108143581-T-C.
Other names: c.3284+2T>C (NM_001351834.2).
Identifiers: ClinVar variation 3148062 (VCV003148062.1), dbSNP rs2135573427, ClinGen allele CA382516277.
Genomic context (GRCh38, chr11:108,272,854, plus strand): 5'-CAATTTCTTGCTGACAATCATCACCAAGTTCGCATGTTGGCTGCAGAGTCAATCAATAGG[T>C]AATGGGTCAAATATTCATGAAGTATTTGGAATGCTGCAGATGGCAGTAGAATGTCTTACA-3'

ClinVar aggregate classification (germline): Likely pathogenic (1 of 4 stars; one submission).

Conditions:
Familial cancer of breast. Also called: BREAST CANCER, FAMILIAL; Hereditary breast cancer; hereditary breast carcinoma. Identifiers: Orphanet 227535, MedGen C0346153, MONDO:0016419, OMIM 114480. Disease mechanism: loss of function.

Submission:

Myriad Genetics, Inc.
Classification: Likely pathogenic for Familial cancer of breast. Last evaluated: 2024-01-19. Review status: criteria provided, single submitter. Criteria: Myriad Autosomal Dominant, Autosomal Recessive and X-Linked Classification Criteria (2023). Collection method: clinical testing. Allele origin: unknown.
Comment: This variant is considered likely pathogenic. This variant occurs within a consensus splice junction and is predicted to result in abnormal mRNA splicing of either an out-of-frame exon or an in-frame exon necessary for protein stability and/or normal function.